The following is an entry in ClinVar:

ClinVar aggregate classification (germline): Uncertain significance (1 of 4 stars; one submission).

Conditions:
Oto-palato-digital syndrome, type II (OPD2). Also called: Otopalatodigital Syndrome Type 2 (FLNA-OPD2); FACIOPALATOOSSEOUS SYNDROME; OPD II SYNDROME; Otopalatodigital Syndrome, Type II. Identifiers: Orphanet 669, Orphanet 90652, MedGen C1844696, MONDO:0010571, OMIM 304120.
Heterotopia, periventricular, X-linked dominant (PVNH1). Also called: PERIVENTRICULAR NODULAR HETEROTOPIA 1; X-linked periventricular heterotopia; PERIVENTRICULAR NODULAR HETEROTOPIA 4; HETEROTOPIA, PERIVENTRICULAR, 1. Identifiers: Orphanet 2149, Orphanet 82004, MedGen C1848213, MONDO:0010233, OMIM 300049.
Melnick-Needles syndrome (MNS). Also called: Melnick-Needles Syndrome (FLNA-MNS); MELNICK-NEEDLES OSTEODYSPLASTY; OSTEODYSPLASTY OF MELNICK AND NEEDLES. Identifiers: Orphanet 2484, MedGen C0025237, MONDO:0010650, OMIM 309350.
Frontometaphyseal dysplasia (FMD1). Identifiers: Orphanet 1826, MedGen C0265293, MONDO:0015942.

Submission:

Labcorp Genetics (formerly Invitae), Labcorp
Classification: Uncertain significance for Oto-palato-digital syndrome, type II; Heterotopia, periventricular, X-linked dominant; Frontometaphyseal dysplasia; Melnick-Needles syndrome. Last evaluated: 2024-02-23. Review status: criteria provided, single submitter. Criteria: Invitae Variant Classification Sherloc (09022015). Collection method: clinical testing. Allele origin: germline.
Comment: This sequence change replaces glutamic acid, which is acidic and polar, with lysine, which is basic and polar, at codon 1516 of the FLNA protein (p.Glu1516Lys). This variant is not present in population databases (gnomAD no frequency). This variant has not been reported in the literature in individuals affected with FLNA-related conditions. Advanced modeling of protein sequence and biophysical properties (such as structural, functional, and spatial information, amino acid conservation, physicochemical variation, residue mobility, and thermodynamic stability) performed at Invitae indicates that this missense variant is not expected to disrupt FLNA protein function with a negative predictive value of 95%. In summary, the available evidence is currently insufficient to determine the role of this variant in disease. Therefore, it has been classified as a Variant of Uncertain Significance.

NM_001110556.2(FLNA):c.4546G>A (p.Glu1516Lys)

Gene: FLNA (filamin A; minus strand). Cytogenetic location: Xq28.
Variant type: single nucleotide variant.
Coding change: c.4546G>A on transcript NM_001110556.2 (MANE Select); coding-DNA position 4546, G replaced by A.
Protein change: p.Glu1516Lys; replaces glutamic acid 1516 with lysine.
Molecular consequence: missense variant.
Genome position (GRCh38, 1-based): chrX:154,358,497, C>T on the plus strand (G>A on the coding strand, the complement: FLNA is on the minus strand). VCF-style: chrX-154358497-C-T. GRCh37 (hg19) VCF-style: chrX-153586865-C-T.
Other names: c.4546G>A, p.Glu1516Lys (NM_001456.4); short protein forms E1516K.
Identifiers: ClinVar variation 2922937 (VCV002922937.3), dbSNP rs2522735802, ClinGen allele CA415215504.